The following is an entry in ClinVar:

NM_052867.4(NALCN):c.359T>A (p.Val120Asp)

Gene: NALCN (sodium leak channel, non-selective; minus strand). Cytogenetic location: 13q33.1.
Variant type: single nucleotide variant.
Coding change: c.359T>A on transcript NM_052867.4 (MANE Select); coding-DNA position 359, T replaced by A.
Protein change: p.Val120Asp; replaces valine 120 with aspartic acid.
Molecular consequence: missense variant.
Genome position (GRCh38, 1-based): chr13:101,378,586, A>T on the plus strand (T>A on the coding strand, the complement: NALCN is on the minus strand). VCF-style: chr13-101378586-A-T. GRCh37 (hg19) VCF-style: chr13-102030937-A-T.
Other names: c.359T>A, p.Val120Asp (NM_001350748.2, NM_001350749.2, NM_001350750.2 and 1 more transcripts); short protein forms V120D.
Identifiers: ClinVar variation 3004519 (VCV003004519.3), dbSNP rs200191453, ClinGen allele CA7036490.

ClinVar aggregate classification (germline): Uncertain significance (1 of 4 stars; one submission).

Allele frequency attached by ClinVar (database versions not stated): ExAC 0.00001.
gnomAD v4.1: 1 of 1,607,598 alleles (0.000062%); highest among the groups gnomAD compares: African/African-American, 0.0013%; no homozygotes.

Submission:

Labcorp Genetics (formerly Invitae), Labcorp
Classification: Uncertain significance. Last evaluated: 2023-11-18. Review status: criteria provided, single submitter. Criteria: Invitae Variant Classification Sherloc (09022015). Collection method: clinical testing. Allele origin: germline.
Comment: This sequence change replaces valine, which is neutral and non-polar, with aspartic acid, which is acidic and polar, at codon 120 of the NALCN protein (p.Val120Asp). This variant is present in population databases (rs200191453, gnomAD 0.007%). This variant has not been reported in the literature in individuals affected with NALCN-related conditions. Advanced modeling of protein sequence and biophysical properties (such as structural, functional, and spatial information, amino acid conservation, physicochemical variation, residue mobility, and thermodynamic stability) performed at Invitae indicates that this missense variant is not expected to disrupt NALCN protein function with a negative predictive value of 80%. In summary, the available evidence is currently insufficient to determine the role of this variant in disease. Therefore, it has been classified as a Variant of Uncertain Significance.